The following is an entry in ClinVar:

ClinVar aggregate classification (germline): Uncertain significance. Review status: criteria provided, multiple submitters, no conflicts (2 of 4 stars). 2 submissions from 2 submitters: Uncertain significance (2). Last evaluated 2025-08-11.

gnomAD v4.1: 45 of 1,611,658 alleles (0.0028%); highest among the groups gnomAD compares: South Asian, 0.0044%; no homozygotes.

Submissions (2):

Ambry Genetics
Classification: Uncertain significance. Last evaluated: 2025-08-11. Review status: criteria provided, single submitter. Criteria: Ambry Variant Classification Scheme 2023. Collection method: clinical testing. Allele origin: germline.

Labcorp Genetics (formerly Invitae), Labcorp
Classification: Uncertain significance. Last evaluated: 2025-05-18. Review status: criteria provided, single submitter. Criteria: Invitae Variant Classification Sherloc (09022015). Collection method: clinical testing. Allele origin: germline.
Comment: This sequence change replaces asparagine, which is neutral and polar, with serine, which is neutral and polar, at codon 157 of the FBN3 protein (p.Asn157Ser). This variant is present in population databases (rs533689982, gnomAD 0.007%). This variant has not been reported in the literature in individuals affected with FBN3-related conditions. ClinVar contains an entry for this variant (Variation ID: 3623403). An algorithm developed to predict the effect of missense changes on protein structure and function (PolyPhen-2) suggests that this variant is likely to be disruptive. In summary, the available evidence is currently insufficient to determine the role of this variant in disease. Therefore, it has been classified as a Variant of Uncertain Significance.

NM_032447.5(FBN3):c.470A>G (p.Asn157Ser)

Gene: FBN3 (fibrillin 3; minus strand). Cytogenetic location: 19p13.2.
Variant type: single nucleotide variant.
Coding change: c.470A>G on transcript NM_032447.5 (MANE Select); coding-DNA position 470, A replaced by G.
Protein change: p.Asn157Ser; replaces asparagine 157 with serine.
Molecular consequence: missense variant.
Genome position (GRCh38, 1-based): chr19:8,144,948, T>C on the plus strand (A>G on the coding strand, the complement: FBN3 is on the minus strand). VCF-style: chr19-8144948-T-C. GRCh37 (hg19) VCF-style: chr19-8209832-T-C.
Other names: c.470A>G (NM_032447.3); c.470A>G, p.Asn157Ser (NM_001321431.2); short protein forms N157S.
Identifiers: ClinVar variation 3623403 (VCV003623403.3).